The following is an entry in ClinVar:

NM_000327.4(ROM1):c.993G>T (p.Arg331Ser)

Gene: ROM1 (retinal outer segment membrane protein 1; plus strand). Cytogenetic location: 11q12.3.
Variant type: single nucleotide variant.
Coding change: c.993G>T on transcript NM_000327.4 (MANE Select); coding-DNA position 993, G replaced by T.
Protein change: p.Arg331Ser; replaces arginine 331 with serine.
Molecular consequence: missense variant.
Genome position (GRCh38, 1-based): chr11:62,614,776, G>T. VCF-style: chr11-62614776-G-T. GRCh37 (hg19) VCF-style: chr11-62382248-G-T.
Other names: short protein forms R331S.
Identifiers: ClinVar variation 4781488 (VCV004781488.1).
Genomic context (GRCh38, chr11:62,614,776, plus strand): 5'-TCCCAGTGGGCTGAAAGATATGCTGAAAACAGCATGGCTACAGGGAGGGGTTGCCTGCAG[G>T]CCAGCACCTGAGGAGGCCCCACCAGGAGAAGCACCTCCCAAGGAGGATCTATCTGAGGCC-3'
Protein context (NP_000318.2, residues 321-341): TAWLQGGVAC[Arg331Ser]PAPEEAPPGE

ClinVar aggregate classification (germline): Uncertain significance (1 of 4 stars; one submission).

Submission:

Labcorp Genetics (formerly Invitae), Labcorp
Classification: Uncertain significance. Last evaluated: 2025-09-23. Review status: criteria provided, single submitter. Criteria: Invitae Variant Classification Sherloc (09022015). Collection method: clinical testing. Allele origin: germline.
Comment: This sequence change replaces arginine, which is basic and polar, with serine, which is neutral and polar, at codon 331 of the ROM1 protein (p.Arg331Ser). This variant is not present in population databases (gnomAD no frequency). This variant has not been reported in the literature in individuals affected with ROM1-related conditions. Invitae Evidence Modeling of protein sequence and biophysical properties (such as structural, functional, and spatial information, amino acid conservation, physicochemical variation, residue mobility, and thermodynamic stability) indicates that this missense variant is not expected to disrupt ROM1 protein function with a negative predictive value of 80%. In summary, the available evidence is currently insufficient to determine the role of this variant in disease. Therefore, it has been classified as a Variant of Uncertain Significance.